The following is an entry in ClinVar:

ClinVar aggregate classification (germline): Likely benign. Review status: criteria provided, single submitter (1 of 4 stars). 2 submissions from 2 submitters: Likely benign (1). 1 of the submissions does not count toward it. Last evaluated 2026-01-09.

Conditions:
Familial hemophagocytic lymphohistiocytosis 5. Also called: STXBP2-Related Familial Hemophagocytic Lymphohistiocytosis (STXBP2-fHLH). Identifiers: Orphanet 540, MedGen C2751293, MONDO:0013135, OMIM 613101.
STXBP2-related disorder. Also called: STXBP2-related condition.

Allele frequency attached by ClinVar (database versions not stated): ExAC 0.00001; gnomAD exomes 0.00004; TOPMed 0.00011; gnomAD 0.00013.
gnomAD v4.1: 78 of 1,611,712 alleles (0.0048%); highest among the groups gnomAD compares: African/African-American, 0.019%; no homozygotes.

Submissions (2):

Labcorp Genetics (formerly Invitae), Labcorp
Classification: Likely benign for Familial hemophagocytic lymphohistiocytosis 5. Last evaluated: 2026-01-09. Review status: criteria provided, single submitter. Criteria: Invitae Variant Classification Sherloc (09022015). Collection method: clinical testing. Allele origin: germline.

PreventionGenetics, part of Exact Sciences
Classification: Likely benign for STXBP2-related condition. Last evaluated: 2022-11-18. Review status: no assertion criteria provided. Collection method: clinical testing. Allele origin: germline. Not counted in ClinVar's aggregate classification.
Comment: This variant is classified as likely benign based on ACMG/AMP sequence variant interpretation guidelines (Richards et al. 2015 PMID: 25741868, with internal and published modifications).

NM_006949.4(STXBP2):c.1458C>T (p.Ala486=)

Gene: STXBP2 (syntaxin binding protein 2; plus strand). Cytogenetic location: 19p13.2.
Variant type: single nucleotide variant.
Coding change: c.1458C>T on transcript NM_006949.4 (MANE Select); coding-DNA position 1458, C replaced by T.
Protein change: p.Ala486=; no amino-acid change (alanine 486 retained).
Molecular consequence: synonymous variant. On other transcripts: non-coding transcript variant (1).
Genome position (GRCh38, 1-based): chr19:7,647,167, C>T. VCF-style: chr19-7647167-C-T. GRCh37 (hg19) VCF-style: chr19-7712053-C-T.
Other names: c.1449C>T, p.Ala483= (NM_001127396.3); c.1491C>T, p.Ala497= (NM_001272034.2).
Identifiers: ClinVar variation 738049 (VCV000738049.13), dbSNP rs140877133, ClinGen allele CA9144194.